The following is an entry in ClinVar:

ClinVar aggregate classification (germline): Uncertain significance. Review status: criteria provided, multiple submitters, no conflicts (2 of 4 stars). 2 submissions from 2 submitters: Uncertain significance (2). Last evaluated 2023-07-25.

Conditions:
Glomerulopathy with fibronectin deposits 2 (GFND2). Identifiers: Orphanet 84090, MedGen C1866075, MONDO:0011165, OMIM 601894.

Allele frequency attached by ClinVar (database versions not stated): gnomAD exomes below 0.00001; TOPMed below 0.00001; ExAC 0.00001; gnomAD 0.00001.
gnomAD v4.1: 4 of 1,613,960 alleles (0.00025%); highest among the groups gnomAD compares: Non-Finnish European, 0.00034%; no homozygotes.

Submissions (2):

Labcorp Genetics (formerly Invitae), Labcorp
Classification: Uncertain significance. Last evaluated: 2023-07-25. Review status: criteria provided, single submitter. Criteria: Invitae Variant Classification Sherloc (09022015). Collection method: clinical testing. Allele origin: germline.
Comment: This variant has not been reported in the literature in individuals affected with FN1-related conditions. Advanced modeling of protein sequence and biophysical properties (such as structural, functional, and spatial information, amino acid conservation, physicochemical variation, residue mobility, and thermodynamic stability) performed at Invitae indicates that this missense variant is not expected to disrupt FN1 protein function. In summary, the available evidence is currently insufficient to determine the role of this variant in disease. Therefore, it has been classified as a Variant of Uncertain Significance. This variant is present in population databases (rs776884669, gnomAD 0.003%). This sequence change replaces valine, which is neutral and non-polar, with methionine, which is neutral and non-polar, at codon 747 of the FN1 protein (p.Val747Met).

Neuberg Centre For Genomic Medicine, NCGM
Classification: Uncertain significance for Glomerulopathy with fibronectin deposits 2. Last evaluated: 2023-05-20. Review status: criteria provided, single submitter. Criteria: ACMG Guidelines, 2015. Collection method: clinical testing. Allele origin: germline. Inheritance: Autosomal dominant inheritance. Affected: yes.
Comment: The observed missense c.2239G>A (p.Val747Met) variant in FN1 gene has not been reported previously as a pathogenic variant nor as a benign variant, to our knowledge. The p.Val747Met variant is present with allele frequency of 0.0008% in gnomAD Exomes. This variant has not been submitted to the ClinVar database. Multiple lines of computational evidence (Polyphen - Probably Damaging, SIFT - Damaging and MutationTaster - Disease Causing) predict a damaging effect on protein structure and function for this variant. The reference amino acid of p.Val747Met in FN1 is predicted as conserved by GERP++ and PhyloP across 100 vertebrates. The amino acid Val at position 747 is changed to a Met changing protein sequence and it might alter its composition and physico-chemical properties. For these reasons, this variant has been classified as a Variant of Uncertain Significance (VUS).

NM_212482.4(FN1):c.2239G>A (p.Val747Met)

Gene: FN1 (fibronectin 1; minus strand). Cytogenetic location: 2q35.
Variant type: single nucleotide variant.
Coding change: c.2239G>A on transcript NM_212482.4 (MANE Select); coding-DNA position 2239, G replaced by A.
Protein change: p.Val747Met; replaces valine 747 with methionine.
Molecular consequence: missense variant.
Genome position (GRCh38, 1-based): chr2:215,409,623, C>T on the plus strand (G>A on the coding strand, the complement: FN1 is on the minus strand). VCF-style: chr2-215409623-C-T. GRCh37 (hg19) VCF-style: chr2-216274346-C-T.
Other names: c.2239G>A, p.Val747Met (NM_001306129.2, NM_001306130.2, NM_001306131.2 and 13 more transcripts); short protein forms V747M.
Identifiers: ClinVar variation 2960663 (VCV002960663.4), dbSNP rs776884669, ClinGen allele CA2095034.